The following is an entry in ClinVar:

NM_001023570.4(IQCB1):c.236C>T (p.Thr79Ile)

Gene: IQCB1 (IQ motif containing B1; minus strand). Cytogenetic location: 3q13.33.
Variant type: single nucleotide variant.
Coding change: c.236C>T on transcript NM_001023570.4 (MANE Select); coding-DNA position 236, C replaced by T.
Protein change: p.Thr79Ile; replaces threonine 79 with isoleucine.
Molecular consequence: missense variant. On other transcripts: non-coding transcript variant (1).
Genome position (GRCh38, 1-based): chr3:121,828,497, G>A on the plus strand (C>T on the coding strand, the complement: IQCB1 is on the minus strand). VCF-style: chr3-121828497-G-A. GRCh37 (hg19) VCF-style: chr3-121547344-G-A.
Other names: c.236C>T, p.Thr79Ile (NM_001023571.4, NM_001319107.2); short protein forms T79I.
Identifiers: ClinVar variation 3361188 (VCV003361188.1).

ClinVar aggregate classification (germline): Uncertain significance (1 of 4 stars; one submission).

gnomAD v4.1: 2 of 1,613,178 alleles (0.00012%); highest among the groups gnomAD compares: South Asian, 0.0011%; no homozygotes.

Submission:

GeneDx
Classification: Uncertain significance. Last evaluated: 2023-07-25. Review status: criteria provided, single submitter. Criteria: GeneDx Variant Classification Process June 2021. Collection method: clinical testing. Allele origin: germline. Affected: yes.
Comment: Not observed at significant frequency in large population cohorts (gnomAD); In silico analysis supports that this missense variant has a deleterious effect on protein structure/function; In silico analysis is inconclusive as to whether the variant alters gene splicing. In the absence of RNA/functional studies, the actual effect of this sequence change is unknown.; Has not been previously published as pathogenic or benign to our knowledge